The following is an entry in ClinVar:

NM_006214.4(PHYH):c.110C>T (p.Ala37Val)

Gene: PHYH (phytanoyl-CoA 2-hydroxylase; minus strand). Cytogenetic location: 10p13.
Variant type: single nucleotide variant.
Coding change: c.110C>T on transcript NM_006214.4 (MANE Select); coding-DNA position 110, C replaced by T.
Protein change: p.Ala37Val; replaces alanine 37 with valine.
Molecular consequence: missense variant. On other transcripts: 5 prime UTR variant (1), intron variant (2).
Genome position (GRCh38, 1-based): chr10:13,298,211, G>A on the plus strand (C>T on the coding strand, the complement: PHYH is on the minus strand). VCF-style: chr10-13298211-G-A. GRCh37 (hg19) VCF-style: chr10-13340211-G-A.
Other names: c.-191C>T (NM_001323080.2); c.110C>T, p.Ala37Val (NM_001323082.2, NM_001323083.2); c.-167+1209C>T (NM_001037537.2, NM_001323084.2); short protein forms A37V.
Identifiers: ClinVar variation 1494955 (VCV001494955.6), dbSNP rs1014615805, ClinGen allele CA376038138.

ClinVar aggregate classification (germline): Uncertain significance (1 of 4 stars; one submission).

Submission:

Labcorp Genetics (formerly Invitae), Labcorp
Classification: Uncertain significance. Last evaluated: 2022-08-19. Review status: criteria provided, single submitter. Criteria: Invitae Variant Classification Sherloc (09022015). Collection method: clinical testing. Allele origin: germline.
Comment: Algorithms developed to predict the effect of missense changes on protein structure and function (SIFT, PolyPhen-2, Align-GVGD) all suggest that this variant is likely to be tolerated. In summary, the available evidence is currently insufficient to determine the role of this variant in disease. Therefore, it has been classified as a Variant of Uncertain Significance. ClinVar contains an entry for this variant (Variation ID: 1494955). This variant has not been reported in the literature in individuals affected with PHYH-related conditions. This variant is not present in population databases (gnomAD no frequency). This sequence change replaces alanine, which is neutral and non-polar, with valine, which is neutral and non-polar, at codon 37 of the PHYH protein (p.Ala37Val).